The following is an entry in ClinVar:

NM_031229.4(RBCK1):c.832G>C (p.Glu278Gln)

Gene: RBCK1 (RANBP2-type and C3HC4-type zinc finger containing 1; plus strand). Cytogenetic location: 20p13.
Variant type: single nucleotide variant.
Coding change: c.832G>C on transcript NM_031229.4 (MANE Select); coding-DNA position 832, G replaced by C.
Protein change: p.Glu278Gln; replaces glutamic acid 278 with glutamine.
Molecular consequence: missense variant. On other transcripts: non-coding transcript variant (1), intron variant (2).
Genome position (GRCh38, 1-based): chr20:420,946, G>C. VCF-style: chr20-420946-G-C. GRCh37 (hg19) VCF-style: chr20-401590-G-C.
Other names: c.883G>C, p.Glu295Gln (NM_001410770.1); c.706G>C, p.Glu236Gln (NM_006462.6); c.408-1181G>C (NM_001323956.2, NM_001323958.2); short protein forms E236Q, E278Q, E295Q.
Identifiers: ClinVar variation 1955455 (VCV001955455.5), dbSNP rs2514516733, ClinGen allele CA407928059.

ClinVar aggregate classification (germline): Uncertain significance (1 of 4 stars; one submission).

Conditions:
Polyglucosan body myopathy type 1 (PGBM1). Also called: Polyglucosan body myopathy 1 with or without immunodeficiency; POLYGLUCOSAN BODY MYOPATHY WITHOUT IMMUNODEFICIENCY. Identifiers: Orphanet 329173, Orphanet 397937, MedGen C4014605, MONDO:0014389, OMIM 615895.

Submission:

Labcorp Genetics (formerly Invitae), Labcorp
Classification: Uncertain significance for Polyglucosan body myopathy type 1. Last evaluated: 2023-05-22. Review status: criteria provided, single submitter. Criteria: Invitae Variant Classification Sherloc (09022015). Collection method: clinical testing. Allele origin: germline.
Comment: This sequence change replaces glutamic acid, which is acidic and polar, with glutamine, which is neutral and polar, at codon 278 of the RBCK1 protein (p.Glu278Gln). In summary, the available evidence is currently insufficient to determine the role of this variant in disease. Therefore, it has been classified as a Variant of Uncertain Significance. Advanced modeling of protein sequence and biophysical properties (such as structural, functional, and spatial information, amino acid conservation, physicochemical variation, residue mobility, and thermodynamic stability) performed at Invitae indicates that this missense variant is not expected to disrupt RBCK1 protein function. ClinVar contains an entry for this variant (Variation ID: 1955455). This variant has not been reported in the literature in individuals affected with RBCK1-related conditions. This variant is not present in population databases (gnomAD no frequency).